The following is an entry in ClinVar:

ClinVar aggregate classification (germline): Uncertain significance (1 of 4 stars; one submission).

Conditions:
X-linked myopathy with excessive autophagy (AVM). Also called: Vacuolar myopathy; Autophagic vacuolar myopathy. Identifiers: Orphanet 25980, MedGen C1839615, MONDO:0010684, OMIM 310440.

Submission:

Labcorp Genetics (formerly Invitae), Labcorp
Classification: Uncertain significance for X-linked myopathy with excessive autophagy. Last evaluated: 2022-03-18. Review status: criteria provided, single submitter. Criteria: Invitae Variant Classification Sherloc (09022015). Collection method: clinical testing. Allele origin: germline.
Comment: A copy number gain of the genomic region encompassing the full coding sequence of the VMA21 gene has been identified. The boundaries of this event are unknown as they extend beyond the assayed region for this gene and therefore may encompass additional genes. As the precise location of this event is unknown, it may be in tandem or it may be located elsewhere in the genome. This variant has not been reported in the literature in individuals affected with VMA21-related conditions. In summary, the available evidence is currently insufficient to determine the role of this variant in disease. Therefore, it has been classified as a Variant of Uncertain Significance.

NC_000023.10:g.(?_149613783)_(150573536_?)dup

Genes: HMGB3 (high mobility group box 3; plus strand), MAMLD1 (mastermind like domain containing 1; plus strand), MTM1 (myotubularin 1; plus strand), CD99L2 (CD99 molecule like 2; minus strand), GPR50 (G protein-coupled receptor 50; plus strand) and 3 more. Cytogenetic location: Xq28.
Variant type: Duplication.
Identifiers: ClinVar variation 2423473 (VCV002423473.3).